The following is an entry in ClinVar:

NM_015909.4(NBAS):c.5465A>C (p.Asn1822Thr)

Gene: NBAS (NBAS subunit of NRZ tethering complex; minus strand). Cytogenetic location: 2p24.3.
Variant type: single nucleotide variant.
Coding change: c.5465A>C on transcript NM_015909.4 (MANE Select); coding-DNA position 5465, A replaced by C.
Protein change: p.Asn1822Thr; replaces asparagine 1822 with threonine.
Molecular consequence: missense variant. On other transcripts: non-coding transcript variant (1).
Genome position (GRCh38, 1-based): chr2:15,275,743, T>G on the plus strand (A>C on the coding strand, the complement: NBAS is on the minus strand). VCF-style: chr2-15275743-T-G. GRCh37 (hg19) VCF-style: chr2-15415867-T-G.
Other names: short protein forms N1822T.
Identifiers: ClinVar variation 801650 (VCV000801650.10), dbSNP rs199717686, ClinGen allele CA1535286.
Genomic context (GRCh38, chr2:15,275,743, plus strand): 5'-GAAAGCATCTGTCCATCCTTTTCAGGGATTTTGGGAACAAGTTTGGAAATAGACAAGATA[T>G]TTTGACTTGAAAGAACTGGCTCCAATGCTTCAAGAGGACTCATGTTTTCATCTGTCAGCT-3'
Protein context (NP_056993.2, residues 1812-1832): EALEPVLSSQ[Asn1822Thr]ILSISKLVPK

ClinVar aggregate classification (germline): Conflicting classifications of pathogenicity. Review status: criteria provided, conflicting classifications (1 of 4 stars). 6 submissions from 6 submitters: Likely pathogenic (1); Uncertain significance (1); Likely benign (2). 2 of the submissions do not count toward it. Last evaluated 2026-01-23.

Conditions:
Infantile liver failure syndrome 2 (ILFS2). Identifiers: MedGen C3809651, MONDO:0014659, OMIM 616483.

Allele frequency attached by ClinVar (database versions not stated): gnomAD exomes 0.00043; gnomAD 0.00047 and 0.00049; ExAC 0.00053; TOPMed 0.00053; ESP Exome Variant Server 0.00085.
gnomAD v4.1: 1,190 of 1,614,076 alleles (0.074%); highest among the groups gnomAD compares: Non-Finnish European, 0.097%; 2 homozygotes.

Submissions (6):

Labcorp Genetics (formerly Invitae), Labcorp
Classification: Likely benign. Last evaluated: 2026-01-23. Review status: criteria provided, single submitter. Criteria: Invitae Variant Classification Sherloc (09022015). Collection method: clinical testing. Allele origin: germline.

Blueprint Genetics
Classification: Likely benign. Last evaluated: 2024-11-08. Review status: criteria provided, single submitter. Criteria: ACMG Guidelines, 2015. Collection method: clinical testing. Allele origin: germline.

Women's Health and Genetics/Laboratory Corporation of America, LabCorp
Classification: Uncertain significance. Last evaluated: 2024-06-03. Review status: criteria provided, single submitter. Criteria: LabCorp Variant Classification Summary - May 2015. Collection method: clinical testing. Allele origin: germline.
Comment: Variant summary: NBAS c.5465A>C (p.Asn1822Thr) results in a non-conservative amino acid change in the encoded protein sequence. Four of five in-silico tools predict a damaging effect of the variant on protein function. The variant allele was found at a frequency of 0.00043 in 251006 control chromosomes in the gnomAD database, including 1 homozygote. This frequency is not significantly higher than estimated for a pathogenic variant in NBAS causing Liver Failure Acute Infantile, Type 2 (0.00043 vs 0.0011), allowing no conclusion about variant significance. c.5465A>C has been reported in the literature in individuals affected with Liver Failure Acute Infantile, Type 2 (e.g., Nazmi_2021). However, this report does not provide convincing conclusions about association of the variant with Liver Failure Acute Infantile, Type 2. To our knowledge, no experimental evidence demonstrating an impact on protein function has been reported. The following publication was ascertained in the context of this evaluation (PMID: 34396667). ClinVar contains an entry for this variant (Variation ID: 801650). Based on the evidence outlined above, the variant was classified as uncertain significance.

Mendelics
Classification: Likely pathogenic for Infantile liver failure syndrome 2. Last evaluated: 2019-05-28. Review status: criteria provided, single submitter. Criteria: Mendelics Assertion Criteria 2017. Collection method: clinical testing. Allele origin: unknown.

Clinical Genetics DNA and cytogenetics Diagnostics Lab, Erasmus MC, Erasmus Medical Center
Classification: Uncertain significance. Review status: no assertion criteria provided. Collection method: clinical testing. Allele origin: germline. Affected: yes. Study: VKGL Data-share Consensus. Not counted in ClinVar's aggregate classification.

Laboratory of Diagnostic Genome Analysis, Leiden University Medical Center (LUMC)
Classification: Uncertain significance. Review status: no assertion criteria provided. Collection method: clinical testing. Allele origin: germline. Affected: yes. Study: VKGL Data-share Consensus. Not counted in ClinVar's aggregate classification.

Literature cited by the submitters: PubMed 34396667 (cited by Women's Health and Genetics/Laboratory Corporation of America, LabCorp).